The following is an entry in ClinVar:

NM_181507.2(HPS5):c.3045G>A (p.Met1015Ile)

Gene: HPS5 (HPS5 biogenesis of lysosomal organelles complex 2 subunit 2; minus strand). Cytogenetic location: 11p15.1.
Variant type: single nucleotide variant.
Coding change: c.3045G>A on transcript NM_181507.2 (MANE Select); coding-DNA position 3045, G replaced by A.
Protein change: p.Met1015Ile; replaces methionine 1015 with isoleucine.
Molecular consequence: missense variant.
Genome position (GRCh38, 1-based): chr11:18,283,808, C>T on the plus strand (G>A on the coding strand, the complement: HPS5 is on the minus strand). VCF-style: chr11-18283808-C-T. GRCh37 (hg19) VCF-style: chr11-18305355-C-T.
Other names: p.Met1015Ile; c.2703G>A, p.Met901Ile (NM_007216.4, NM_181508.2); short protein forms M1015I, M901I.
Identifiers: ClinVar variation 262986 (VCV000262986.49), dbSNP rs61755718, ClinGen allele CA5909671.

ClinVar aggregate classification (germline): Likely benign. Review status: criteria provided, multiple submitters, no conflicts (2 of 4 stars). 10 submissions from 10 submitters: Likely benign (9). 1 of the submissions does not count toward it. Last evaluated 2026-02-04.

Conditions:
Hermansky-Pudlak syndrome 5 (HPS5). Identifiers: Orphanet 231512, Orphanet 79430, MedGen C3888004, MONDO:0013557, OMIM 614074.

Allele frequency attached by ClinVar (database versions not stated): 1000 Genomes Project 0.00220; 1000 Genomes Project 30x 0.00250; gnomAD 0.00512 and 0.00513; gnomAD exomes 0.00520 and 0.00622; ExAC 0.00533; TOPMed 0.00538; ESP Exome Variant Server 0.00655.

Submissions (10):

Labcorp Genetics (formerly Invitae), Labcorp
Classification: Likely benign. Last evaluated: 2026-02-04. Review status: criteria provided, single submitter. Criteria: Invitae Variant Classification Sherloc (09022015). Collection method: clinical testing. Allele origin: germline.

Blueprint Genetics
Classification: Likely benign. Last evaluated: 2024-11-27. Review status: criteria provided, single submitter. Criteria: ACMG Guidelines, 2015. Collection method: clinical testing. Allele origin: germline.

Mayo Clinic Laboratories, Mayo Clinic
Classification: Likely benign. Last evaluated: 2023-12-13. Review status: criteria provided, single submitter. Criteria: ACMG Guidelines, 2015. Collection method: clinical testing. Allele origin: germline. Observed: 3 variant alleles.
Comment: BS1, BP4

CeGaT Center for Human Genetics Tuebingen
Classification: Likely benign. Last evaluated: 2023-02-01. Review status: criteria provided, single submitter. Criteria: CeGaT Center For Human Genetics Tuebingen Variant Classification Criteria Version 2. Collection method: clinical testing. Allele origin: germline. Affected: yes. Observed: 1 variant allele.
Comment: HPS5: BP4, BS2

Illumina Laboratory Services, Illumina
Classification: Likely benign for Hermansky-Pudlak syndrome 5. Last evaluated: 2018-01-12. Review status: criteria provided, single submitter. Criteria: ICSL Variant Classification Criteria 13 December 2019. Collection method: clinical testing. Allele origin: germline.
Comment: This variant was observed in the ICSL laboratory as part of a predisposition screen in an ostensibly healthy population. It had not been previously curated by ICSL or reported in the Human Gene Mutation Database (HGMD: prior to June 1st, 2018), and was therefore a candidate for classification through an automated scoring system. Utilizing variant allele frequency, disease prevalence and penetrance estimates, and inheritance mode, an automated score was calculated to assess if this variant is too frequent to cause the disease. Based on the score and internal cut-off values, a variant classified as likely benign is not then subjected to further curation. The score for this variant resulted in a classification of likely benign for this disease.

Genetic Services Laboratory, University of Chicago
Classification: Likely benign. Last evaluated: 2017-12-08. Review status: criteria provided, single submitter. Criteria: ACMG Guidelines, 2015. Collection method: clinical testing. Allele origin: germline. Affected: no.

Genome Diagnostics Laboratory, University Medical Center Utrecht
Classification: Likely benign for Hermansky-Pudlak syndrome 5. Last evaluated: 2015-05-18. Review status: criteria provided, single submitter. Criteria: ACGS Guidelines, 2013. Collection method: clinical testing. Allele origin: germline. Affected: yes. Study: VKGL Data-share Consensus.

Breakthrough Genomics
Classification: Likely benign. Review status: criteria provided, single submitter. Criteria: ACMG Guidelines, 2015. Collection method: not provided. Allele origin: germline. Inheritance: Autosomal recessive inheritance. Affected: yes.

PreventionGenetics, part of Exact Sciences
Classification: Likely benign. Review status: criteria provided, single submitter. Criteria: ACMG Guidelines, 2015. Collection method: clinical testing. Allele origin: germline.

Clinical Genetics, Academic Medical Center
Classification: Benign. Review status: no assertion criteria provided. Collection method: clinical testing. Allele origin: germline. Affected: yes. Study: VKGL Data-share Consensus. Not counted in ClinVar's aggregate classification.